The following is an entry in ClinVar:

ClinVar aggregate classification (germline): Uncertain significance. Review status: criteria provided, multiple submitters, no conflicts (2 of 4 stars). 2 submissions from 2 submitters: Uncertain significance (2). Last evaluated 2025-06-15.

Conditions:
RYR1-related disorder. Also called: RYR1-related condition; RYR1-related disorders. Identifiers: MedGen CN239331.
Central core myopathy (CMYO1A). Also called: CONGENITAL MYOPATHY 1A, AUTOSOMAL DOMINANT, WITH SUSCEPTIBILITY TO MALIGNANT HYPERTHERMIA; Central core disease; Myopathy, central fibrillar. Identifiers: Orphanet 597, MedGen C5830701, MONDO:0007294, OMIM 117000.

Allele frequency attached by ClinVar (database versions not stated): gnomAD exomes below 0.00001.
gnomAD v4.1: 1 of 1,614,142 alleles (0.000062%); highest among the groups gnomAD compares: Non-Finnish European, 0.000085%; no homozygotes.

Submissions (2):

Labcorp Genetics (formerly Invitae), Labcorp
Classification: Uncertain significance for RYR1-related disorder. Last evaluated: 2025-06-15. Review status: criteria provided, single submitter. Criteria: Invitae Variant Classification Sherloc (09022015). Collection method: clinical testing. Allele origin: germline.
Comment: This sequence change replaces serine, which is neutral and polar, with glycine, which is neutral and non-polar, at codon 4867 of the RYR1 protein (p.Ser4867Gly). This variant is not present in population databases (gnomAD no frequency). This variant has not been reported in the literature in individuals affected with RYR1-related conditions. ClinVar contains an entry for this variant (Variation ID: 1709328). Invitae Evidence Modeling of protein sequence and biophysical properties (such as structural, functional, and spatial information, amino acid conservation, physicochemical variation, residue mobility, and thermodynamic stability) indicates that this missense variant is not expected to disrupt RYR1 protein function with a negative predictive value of 80%. This variant disrupts the p.Ser4867 amino acid residue in RYR1. Other variant(s) that disrupt this residue have been determined to be pathogenic (internal data). This suggests that this residue is clinically significant, and that variants that disrupt this residue are likely to be disease-causing. In summary, the available evidence is currently insufficient to determine the role of this variant in disease. Therefore, it has been classified as a Variant of Uncertain Significance.

MGZ Medical Genetics Center
Classification: Uncertain significance for Central core myopathy. Last evaluated: 2022-04-28. Review status: criteria provided, single submitter. Criteria: ACMG Guidelines, 2015. Collection method: clinical testing. Allele origin: germline. Affected: yes. Observed: 1 variant allele.
Comment: ACMG criteria applied: PM2_SUP, PP3

NM_000540.3(RYR1):c.14599A>G (p.Ser4867Gly)

Gene: RYR1 (ryanodine receptor 1; plus strand). Cytogenetic location: 19q13.2.
Variant type: single nucleotide variant.
Coding change: c.14599A>G on transcript NM_000540.3 (MANE Select); coding-DNA position 14599, A replaced by G.
Protein change: p.Ser4867Gly; replaces serine 4867 with glycine.
Molecular consequence: missense variant.
Genome position (GRCh38, 1-based): chr19:38,580,457, A>G. VCF-style: chr19-38580457-A-G. GRCh37 (hg19) VCF-style: chr19-39071097-A-G.
Other names: c.14584A>G, p.Ser4862Gly (NM_001042723.2); short protein forms S4862G, S4867G.
Identifiers: ClinVar variation 1709328 (VCV001709328.5), dbSNP rs778201386, ClinGen allele CA405687889.
Genomic context (GRCh38, chr19:38,580,457, plus strand): 5'-GTGGTCGTCTACCTGTACACCGTGGTGGCCTTCAACTTCTTCCGCAAGTTCTACAACAAG[A>G]GCGAGGATGAGGATGAACCTGACATGAAGTGTGATGACATGATGACGGTGAGCCCCTCCC-3'
Protein context (NP_000531.2, residues 4857-4877): FNFFRKFYNK[Ser4867Gly]EDEDEPDMKC